The following is an entry in ClinVar:

ClinVar aggregate classification (germline): Uncertain significance (1 of 4 stars; one submission).

Conditions:
Developmental and epileptic encephalopathy, 36 (DEE36). Also called: Congenital disorder of glycosylation, type Is; ALG13-CDG; Epileptic encephalopathy, early infantile, 36. Identifiers: Orphanet 324422, MedGen C4317295, MONDO:0010472, OMIM 300884.

Submission:

Labcorp Genetics (formerly Invitae), Labcorp
Classification: Uncertain significance for Developmental and epileptic encephalopathy, 36. Last evaluated: 2024-12-30. Review status: criteria provided, single submitter. Criteria: Invitae Variant Classification Sherloc (09022015). Collection method: clinical testing. Allele origin: germline.
Comment: This variant, c.476_481del, results in the deletion of 2 amino acid(s) of the ALG13 protein (p.Gly159_Leu160del), but otherwise preserves the integrity of the reading frame. This variant is present in population databases (rs750251838, gnomAD 0.02%), including at least one homozygous and/or hemizygous individual. This variant has not been reported in the literature in individuals affected with ALG13-related conditions. ClinVar contains an entry for this variant (Variation ID: 1477970). Experimental studies and prediction algorithms are not available or were not evaluated, and the functional significance of this variant is currently unknown. In summary, the available evidence is currently insufficient to determine the role of this variant in disease. Therefore, it has been classified as a Variant of Uncertain Significance.

NM_001099922.3(ALG13):c.476_481del (p.Gly159_Leu160del)

Gene: ALG13 (ALG13 UDP-N-acetylglucosaminyltransferase subunit; plus strand). Cytogenetic location: Xq23.
Variant type: Deletion.
Coding change: c.476_481del on transcript NM_001099922.3 (MANE Select); coding-DNA positions 476 to 481, 6 bases deleted (GCCTAG; older notation c.476_481delGCCTAG).
Protein change: p.Gly159_Leu160del.
Molecular consequence: inframe deletion. On other transcripts: non-coding transcript variant (1).
Genome position (GRCh38, 1-based): chrX:111,708,119-111,708,124, GCCTAG deleted; deleting any 6 consecutive bases within chrX:111,708,117-111,708,124 gives the same sequence; the c. name uses the placement nearest the transcript's 3' end. VCF-style (leftmost placement, unchanged base first): chrX-111708116-CAGGCCT-C. GRCh37 (hg19) VCF-style: chrX-110951344-CAGGCCT-C.
Other names: c.164_169del, p.Gly55_Leu56del (NM_001257230.2, NM_001257234.2, NM_001257237.2 and 1 more transcripts); c.242_247del, p.Gly81_Leu82del (NM_001257231.2); c.476_481del, p.Gly159_Leu160del (NM_001324292.2).
Identifiers: ClinVar variation 1477970 (VCV001477970.8), dbSNP rs750251838, ClinGen allele CA10493541.
Genomic context (GRCh38, chrX:111,708,116, plus strand): 5'-CCATTGCTTCTGCTCCTGGGAAGTGCCAAGATTCTGCAGCGCTGACTTCAACTGCCTTTT[CAGGCCT>C]AGACTTTGGGCTGCTTTCCGGATACCTGCATAAGCAAGCCCTTGTTACTGCTACCCATCC-3'